The following is an entry in ClinVar:

NM_000553.6(WRN):c.3364A>G (p.Ser1122Gly)

Gene: WRN (WRN RecQ like helicase; plus strand). Cytogenetic location: 8p12.
Variant type: single nucleotide variant.
Coding change: c.3364A>G on transcript NM_000553.6 (MANE Select); coding-DNA position 3364, A replaced by G.
Protein change: p.Ser1122Gly; replaces serine 1122 with glycine.
Molecular consequence: missense variant.
Genome position (GRCh38, 1-based): chr8:31,143,604, A>G. VCF-style: chr8-31143604-A-G. GRCh37 (hg19) VCF-style: chr8-31001120-A-G.
Other names: short protein forms S1122G.
Identifiers: ClinVar variation 1364570 (VCV001364570.6), dbSNP rs2130427104, ClinGen allele CA370924151.

ClinVar aggregate classification (germline): Uncertain significance (1 of 4 stars; one submission).

Conditions:
Werner syndrome (WRN). Identifiers: Orphanet 902, MedGen C0043119, MONDO:0010196, OMIM 277700.

Submission:

Labcorp Genetics (formerly Invitae), Labcorp
Classification: Uncertain significance for Werner syndrome. Last evaluated: 2022-06-15. Review status: criteria provided, single submitter. Criteria: Invitae Variant Classification Sherloc (09022015). Collection method: clinical testing. Allele origin: germline.
Comment: In summary, the available evidence is currently insufficient to determine the role of this variant in disease. Therefore, it has been classified as a Variant of Uncertain Significance. Algorithms developed to predict the effect of sequence changes on RNA splicing suggest that this variant may disrupt the consensus splice site. Algorithms developed to predict the effect of missense changes on protein structure and function are either unavailable or do not agree on the potential impact of this missense change (SIFT: "Not Available"; PolyPhen-2: "Benign"; Align-GVGD: "Not Available"). This variant has not been reported in the literature in individuals affected with WRN-related conditions. This variant is not present in population databases (gnomAD no frequency). This sequence change replaces serine, which is neutral and polar, with glycine, which is neutral and non-polar, at codon 1122 of the WRN protein (p.Ser1122Gly).